The following is an entry in ClinVar:

ClinVar aggregate classification (germline): Benign/Likely benign. Review status: criteria provided, multiple submitters, no conflicts (2 of 4 stars). 5 submissions from 5 submitters: Benign (2); Likely benign (2). 1 of the submissions does not count toward it. Last evaluated 2026-02-02.

Conditions:
Cutis laxa. Identifiers: Orphanet 209, MedGen C0010495, MONDO:0016175, HP:0000973.
PYCR1-related disorder. Also called: PYCR1-related condition.

Allele frequency attached by ClinVar (database versions not stated): gnomAD exomes 0.00287; ExAC 0.00374; 1000 Genomes Project 0.00839; 1000 Genomes Project 30x 0.00953; gnomAD 0.01131 and 0.01229; TOPMed 0.01302; ESP Exome Variant Server 0.01338.

Submissions (5):

Labcorp Genetics (formerly Invitae), Labcorp
Classification: Benign. Last evaluated: 2026-02-02. Review status: criteria provided, single submitter. Criteria: Invitae Variant Classification Sherloc (09022015). Collection method: clinical testing. Allele origin: germline.

GeneDx
Classification: Benign. Last evaluated: 2017-05-08. Review status: criteria provided, single submitter. Criteria: GeneDx Variant Classification (06012015). Collection method: clinical testing. Allele origin: germline. Affected: yes.
Comment: This variant is considered likely benign or benign based on one or more of the following criteria: it is a conservative change, it occurs at a poorly conserved position in the protein, it is predicted to be benign by multiple in silico algorithms, and/or has population frequency not consistent with disease.

Illumina Laboratory Services, Illumina
Classification: Likely benign for Cutis laxa. Last evaluated: 2017-04-27. Review status: criteria provided, single submitter. Criteria: ICSL Variant Classification Criteria 13 December 2019. Collection method: clinical testing. Allele origin: germline.
Comment: This variant was observed as part of a predisposition screen in an ostensibly healthy population. A literature search was performed for the gene, cDNA change, and amino acid change (where applicable). No publications were found based on this search. Allele frequency data from public databases allowed determination this variant is unlikely to cause disease. Therefore, this variant is classified as likely benign.

Breakthrough Genomics
Classification: Likely benign. Review status: criteria provided, single submitter. Criteria: ACMG Guidelines, 2015. Collection method: not provided. Allele origin: germline. Inheritance: Autosomal recessive inheritance. Affected: yes.

PreventionGenetics, part of Exact Sciences
Classification: Benign for PYCR1-related condition. Last evaluated: 2019-10-16. Review status: no assertion criteria provided. Collection method: clinical testing. Allele origin: germline. Not counted in ClinVar's aggregate classification.
Comment: This variant is classified as benign based on ACMG/AMP sequence variant interpretation guidelines (Richards et al. 2015 PMID: 25741868, with internal and published modifications).

NM_006907.4(PYCR1):c.348G>A (p.Arg116=)

Gene: PYCR1 (pyrroline-5-carboxylate reductase 1; minus strand). Cytogenetic location: 17q25.3.
Variant type: single nucleotide variant.
Coding change: c.348G>A on transcript NM_006907.4 (MANE Select); coding-DNA position 348, G replaced by A.
Protein change: p.Arg116=; no amino-acid change (arginine 116 retained).
Molecular consequence: synonymous variant.
Genome position (GRCh38, 1-based): chr17:81,935,118, C>T on the plus strand (G>A on the coding strand, the complement: PYCR1 is on the minus strand). VCF-style: chr17-81935118-C-T. GRCh37 (hg19) VCF-style: chr17-79892994-C-T.
Other names: c.348G>A, p.Arg116= (NM_001282279.2, NM_001282280.2, NM_001330523.2 and 1 more transcripts); c.429G>A, p.Arg143= (NM_001282281.2).
Identifiers: ClinVar variation 325909 (VCV000325909.17), dbSNP rs35533499, ClinGen allele CA8845461.